The following is an entry in ClinVar:

NM_000388.4(CASR):c.1219C>G (p.Pro407Ala)

Gene: CASR (calcium sensing receptor; plus strand). Cytogenetic location: 3q21.1.
Variant type: single nucleotide variant.
Coding change: c.1219C>G on transcript NM_000388.4 (MANE Select); coding-DNA position 1219, C replaced by G.
Protein change: p.Pro407Ala; replaces proline 407 with alanine.
Molecular consequence: missense variant.
Genome position (GRCh38, 1-based): chr3:122,262,254, C>G. VCF-style: chr3-122262254-C-G. GRCh37 (hg19) VCF-style: chr3-121981101-C-G.
Other names: c.1219C>G, p.Pro407Ala (NM_001178065.2); short protein forms P407A.
Identifiers: ClinVar variation 1395483 (VCV001395483.10), dbSNP rs977386230, ClinGen allele CA82739012.

ClinVar aggregate classification (germline): Uncertain significance. Review status: criteria provided, multiple submitters, no conflicts (2 of 4 stars). 2 submissions from 2 submitters: Uncertain significance (2). Last evaluated 2023-10-23.

Conditions:
Nephrolithiasis/nephrocalcinosis. Identifiers: MedGen CN580796.
Familial hypocalciuric hypercalcemia (FHH). Also called: Familial benign hypercalcemia. Identifiers: Orphanet 405, MedGen C1809471, MONDO:0018458.
Autosomal dominant hypocalcemia 1 (HYPOC1). Also called: HYPOCALCEMIA, FAMILIAL. Identifiers: MedGen C3715128, MONDO:0011013, OMIM 601198.

Allele frequency attached by ClinVar (database versions not stated): TOPMed below 0.00001; gnomAD 0.00001.
gnomAD v4.1: 2 of 1,614,056 alleles (0.00012%); highest among the groups gnomAD compares: South Asian, 0.0011%; no homozygotes.

Submissions (2):

Labcorp Genetics (formerly Invitae), Labcorp
Classification: Uncertain significance for Familial hypocalciuric hypercalcemia; Autosomal dominant hypocalcemia 1. Last evaluated: 2023-10-23. Review status: criteria provided, single submitter. Criteria: Invitae Variant Classification Sherloc (09022015). Collection method: clinical testing. Allele origin: germline.
Comment: This sequence change replaces proline, which is neutral and non-polar, with alanine, which is neutral and non-polar, at codon 407 of the CASR protein (p.Pro407Ala). This variant is not present in population databases (gnomAD no frequency). This variant has not been reported in the literature in individuals affected with CASR-related conditions. ClinVar contains an entry for this variant (Variation ID: 1395483). An algorithm developed to predict the effect of missense changes on protein structure and function (PolyPhen-2) suggests that this variant is likely to be disruptive. In summary, the available evidence is currently insufficient to determine the role of this variant in disease. Therefore, it has been classified as a Variant of Uncertain Significance.

Ambry Genetics
Classification: Uncertain significance for Nephrolithiasis/nephrocalcinosis. Last evaluated: 2021-06-15. Review status: criteria provided, single submitter. Criteria: Ambry Variant Classification Scheme 2023. Collection method: clinical testing. Allele origin: germline.
Comment: The p.P407A variant (also known as c.1219C>G), located in coding exon 3 of the CASR gene, results from a C to G substitution at nucleotide position 1219. The proline at codon 407 is replaced by alanine, an amino acid with highly similar properties. This amino acid position is conserved. In addition, the in silico prediction for this alteration is inconclusive. Since supporting evidence is limited at this time, the clinical significance of this alteration remains unclear.